The following is an entry in ClinVar:

ClinVar aggregate classification (germline): Uncertain significance (1 of 4 stars; one submission).

Conditions:
Inborn genetic diseases. Identifiers: MedGen C0950123, MeSH D030342.

Submission:

Ambry Genetics
Classification: Uncertain significance for Inborn genetic diseases. Last evaluated: 2025-12-07. Review status: criteria provided, single submitter. Criteria: Ambry Variant Classification Scheme 2023. Collection method: clinical testing. Allele origin: germline.
Comment: The p.L840M variant (also known as c.2518C>A), located in coding exon 15 of the RECQL4 gene, results from a C to A substitution at nucleotide position 2518. The leucine at codon 840 is replaced by methionine, an amino acid with highly similar properties. This amino acid position is conserved. In addition, this alteration is predicted to be tolerated by in silico analysis. Based on the available evidence, the clinical significance of this variant remains unclear.

NM_004260.4(RECQL4):c.2518C>A (p.Leu840Met)

Gene: RECQL4 (RecQ like helicase 4; minus strand). Cytogenetic location: 8q24.3.
Variant type: single nucleotide variant.
Coding change: c.2518C>A on transcript NM_004260.4 (MANE Select); coding-DNA position 2518, C replaced by A.
Protein change: p.Leu840Met; replaces leucine 840 with methionine.
Molecular consequence: missense variant. On other transcripts: non-coding transcript variant (3).
Genome position (GRCh38, 1-based): chr8:144,513,084, G>T on the plus strand (C>A on the coding strand, the complement: RECQL4 is on the minus strand). VCF-style: chr8-144513084-G-T. GRCh37 (hg19) VCF-style: chr8-145738467-G-T.
Other names: c.2224C>A, p.Leu742Met (NM_001413017.1); c.2320C>A, p.Leu774Met (NM_001413018.1); c.2518C>A, p.Leu840Met (NM_001413019.1, NM_001413036.1); c.2422C>A, p.Leu808Met (NM_001413020.1); c.1447C>A, p.Leu483Met (NM_001413021.1, NM_001413022.1, NM_001413023.1 and 5 more transcripts); c.2389C>A, p.Leu797Met (NM_001413025.1); c.1381C>A, p.Leu461Met (NM_001413027.1, NM_001413030.1, NM_001413032.1 and 1 more transcripts); c.2167C>A, p.Leu723Met (NM_001413029.1); and 6 more; short protein forms L473M, L808M, L840M, L483M, L723M, L796M, L417M, L439M.
Identifiers: ClinVar variation 4628988 (VCV004628988.1).